The following is an entry in ClinVar:

ClinVar aggregate classification (germline): Benign/Likely benign. Review status: criteria provided, multiple submitters, no conflicts (2 of 4 stars). 5 submissions from 5 submitters: Benign (1); Likely benign (3). 1 of the submissions does not count toward it. Last evaluated 2025-03-25.

Conditions:
Peutz-Jeghers syndrome (PJS). Also called: Peutz-Jeghers polyposis; Periorificial lentiginosis syndrome; POLYPOSIS, HAMARTOMATOUS INTESTINAL; POLYPS-AND-SPOTS SYNDROME. Identifiers: Orphanet 2869, MedGen C0031269, MeSH D010580, MONDO:0008280, OMIM 175200.
STK11-related disorder. Also called: STK11-related condition.
Hereditary cancer-predisposing syndrome. Also called: Neoplastic Syndromes, Hereditary; Hereditary neoplastic syndrome; Hereditary Cancer Syndrome; Tumor predisposition. Identifiers: Orphanet 140162, MedGen C0027672, MeSH D009386, MONDO:0015356.

Allele frequency attached by ClinVar (database versions not stated): gnomAD exomes below 0.00001.

Submissions (5):

Myriad Genetics, Inc.
Classification: Benign for Peutz-Jeghers syndrome. Last evaluated: 2025-03-25. Review status: criteria provided, single submitter. Criteria: Myriad Autosomal Dominant, Autosomal Recessive and X-Linked Classification Criteria (2023). Collection method: clinical testing. Allele origin: unknown.
Comment: This variant is considered benign. This variant is a silent/synonymous amino acid change and it is not expected to impact splicing.

Ambry Genetics
Classification: Likely benign for Hereditary cancer-predisposing syndrome. Last evaluated: 2024-06-30. Review status: criteria provided, single submitter. Criteria: Ambry Variant Classification Scheme 2023. Collection method: clinical testing. Allele origin: germline.

Labcorp Genetics (formerly Invitae), Labcorp
Classification: Likely benign for Peutz-Jeghers syndrome. Last evaluated: 2024-05-07. Review status: criteria provided, single submitter. Criteria: Invitae Variant Classification Sherloc (09022015). Collection method: clinical testing. Allele origin: germline.

Sema4
Classification: Likely benign for Hereditary cancer-predisposing syndrome. Last evaluated: 2022-02-15. Review status: criteria provided, single submitter. Criteria: Sema4 Curation Guidelines. Collection method: curation. Allele origin: germline.

PreventionGenetics, part of Exact Sciences
Classification: Likely benign for STK11-related condition. Last evaluated: 2023-03-21. Review status: no assertion criteria provided. Collection method: clinical testing. Allele origin: germline. Not counted in ClinVar's aggregate classification.
Comment: This variant is classified as likely benign based on ACMG/AMP sequence variant interpretation guidelines (Richards et al. 2015 PMID: 25741868, with internal and published modifications).

NM_000455.5(STK11):c.240C>T (p.Leu80=)

Gene: STK11 (serine/threonine kinase 11; plus strand). Cytogenetic location: 19p13.3.
Variant type: single nucleotide variant.
Coding change: c.240C>T on transcript NM_000455.5 (MANE Select); coding-DNA position 240, C replaced by T.
Protein change: p.Leu80=; no amino-acid change (leucine 80 retained).
Molecular consequence: synonymous variant.
Genome position (GRCh38, 1-based): chr19:1,207,153, C>T. VCF-style: chr19-1207153-C-T. GRCh37 (hg19) VCF-style: chr19-1207152-C-T.
Identifiers: ClinVar variation 1101538 (VCV001101538.14), dbSNP rs2145405739, ClinGen allele CA504706321.